The following is an entry in ClinVar:

ClinVar aggregate classification (germline): Uncertain significance. Review status: criteria provided, multiple submitters, no conflicts (2 of 4 stars). 2 submissions from 2 submitters: Uncertain significance (2). Last evaluated 2024-11-11.

Conditions:
Imerslund-Grasbeck syndrome. Also called: ENTEROCYTE COBALAMIN MALABSORPTION; ENTEROCYTE INTRINSIC FACTOR RECEPTOR, DEFECT OF; PERNICIOUS ANEMIA, JUVENILE, DUE TO SELECTIVE INTESTINAL MALABSORPTION OF VITAMIN B12, WITH PROTEINURIA; Megaloblastic anemia due to inborn errors of metabolism; Imerslund-Gräsbeck syndrome. Identifiers: Orphanet 35858, MedGen C4551825, MONDO:0009853.

Allele frequency attached by ClinVar (database versions not stated): gnomAD exomes 0.00012 and 0.00027; ExAC 0.00020; ESP Exome Variant Server 0.00046; gnomAD 0.00048 and 0.00054; TOPMed 0.00069.
gnomAD v4.1: 280 of 1,613,998 alleles (0.017%); highest among the groups gnomAD compares: African/African-American, 0.14%; 1 homozygote.

Submissions (2):

Labcorp Genetics (formerly Invitae), Labcorp
Classification: Uncertain significance for Imerslund-Grasbeck syndrome. Last evaluated: 2024-11-11. Review status: criteria provided, single submitter. Criteria: Invitae Variant Classification Sherloc (09022015). Collection method: clinical testing. Allele origin: germline.
Comment: This sequence change replaces threonine, which is neutral and polar, with methionine, which is neutral and non-polar, at codon 1841 of the CUBN protein (p.Thr1841Met). This variant is present in population databases (rs138989259, gnomAD 0.1%). This missense change has been observed in individual(s) with focal and segmental glomerulosclerosis (PMID: 31308072). ClinVar contains an entry for this variant (Variation ID: 972282). Invitae Evidence Modeling of protein sequence and biophysical properties (such as structural, functional, and spatial information, amino acid conservation, physicochemical variation, residue mobility, and thermodynamic stability) indicates that this missense variant is not expected to disrupt CUBN protein function with a negative predictive value of 80%. In summary, the available evidence is currently insufficient to determine the role of this variant in disease. Therefore, it has been classified as a Variant of Uncertain Significance.

Breakthrough Genomics
Classification: Uncertain significance. Review status: criteria provided, single submitter. Criteria: ACMG Guidelines, 2015. Collection method: not provided. Allele origin: germline. Inheritance: Autosomal recessive inheritance. Affected: yes.

Literature cited by the submitters: PubMed 31308072 (cited by Labcorp Genetics (formerly Invitae), Labcorp).

NM_001081.4(CUBN):c.5522C>T (p.Thr1841Met)

Gene: CUBN (cubilin; minus strand). Cytogenetic location: 10p13.
Variant type: single nucleotide variant.
Coding change: c.5522C>T on transcript NM_001081.4 (MANE Select); coding-DNA position 5522, C replaced by T.
Protein change: p.Thr1841Met; replaces threonine 1841 with methionine.
Molecular consequence: missense variant.
Genome position (GRCh38, 1-based): chr10:16,940,058, G>A on the plus strand (C>T on the coding strand, the complement: CUBN is on the minus strand). VCF-style: chr10-16940058-G-A. GRCh37 (hg19) VCF-style: chr10-16982057-G-A.
Other names: short protein forms T1841M.
Identifiers: ClinVar variation 972282 (VCV000972282.8), dbSNP rs138989259, ClinGen allele CA5423988.